The following is an entry in ClinVar:

ClinVar aggregate classification (germline): Pathogenic/Likely pathogenic. Review status: criteria provided, multiple submitters, no conflicts (2 of 4 stars). 4 submissions from 4 submitters: Pathogenic (1); Likely pathogenic (3). Last evaluated 2024-01-30.

Conditions:
Deficiency of steroid 11-beta-monooxygenase (CYP11B1). Also called: ADRENAL HYPERPLASIA IV; Congenital adrenal hyperplasia due to 11-beta-hydroxylase deficiency; ADRENAL HYPERPLASIA, CONGENITAL, DUE TO STEROID 11-BETA-HYDROXYLASE DEFICIENCY; 11-BETA-HYDROXYLASE DEFICIENCY; P450C11B1 DEFICIENCY; STEROID 11-BETA-HYDROXYLASE DEFICIENCY. Identifiers: Orphanet 90795, MedGen C0268292, MONDO:0008729, OMIM 202010. Disease mechanism: loss of function.
Glucocorticoid-remediable aldosteronism. Also called: Hyperaldosteronism, familial, type I; ACTH-DEPENDENT HYPERALDOSTERONISM SYNDROME; ALDOSTERONISM, SENSITIVE TO DEXAMETHASONE; FH I; GLUCOCORTICOID-SUPPRESSIBLE HYPERALDOSTERONISM. Identifiers: Orphanet 403, MedGen C3838731, MONDO:0007080, OMIM 103900.

Allele frequency attached by ClinVar (database versions not stated): TOPMed below 0.00001; gnomAD exomes 0.00001.

Submissions (4):

Fulgent Genetics
Classification: Likely pathogenic for Glucocorticoid-remediable aldosteronism; Deficiency of steroid 11-beta-monooxygenase. Last evaluated: 2024-01-30. Review status: criteria provided, single submitter. Criteria: ACMG Guidelines, 2015. Collection method: clinical testing. Allele origin: germline.

Mendelics
Classification: Pathogenic for Glucocorticoid-remediable aldosteronism. Last evaluated: 2022-05-04. Review status: criteria provided, single submitter. Criteria: Mendelics Assertion Criteria 2019. Collection method: clinical testing. Allele origin: germline.

Labcorp Genetics (formerly Invitae), Labcorp
Classification: Likely pathogenic. Last evaluated: 2022-04-16. Review status: criteria provided, single submitter. Criteria: Invitae Variant Classification Sherloc (09022015). Collection method: clinical testing. Allele origin: germline.
Comment: In summary, the currently available evidence indicates that the variant is pathogenic, but additional data are needed to prove that conclusively. Therefore, this variant has been classified as Likely Pathogenic. Variants that disrupt the consensus splice site are a relatively common cause of aberrant splicing (PMID: 17576681, 9536098). Studies have shown that this missense change results in the activation of a cryptic splice site in exon 4 (PMID: 19567537). Algorithms developed to predict the effect of missense changes on protein structure and function (SIFT, PolyPhen-2, Align-GVGD) all suggest that this variant is likely to be tolerated. This missense change has been observed in individuals with adrenal hyperplasia (PMID: 19567537, 25911436, 30242600, 32850530). This variant is present in population databases (no rsID available, gnomAD 0.006%). This sequence change replaces glycine, which is neutral and non-polar, with serine, which is neutral and polar, at codon 267 of the CYP11B1 protein (p.Gly267Ser). RNA analysis indicates that this missense change induces altered splicing and likely results in the loss of 45 amino acid residue(s), but is expected to preserve the integrity of the reading-frame.

Juno Genomics, Hangzhou Juno Genomics, Inc
Classification: Likely pathogenic for Deficiency of steroid 11-beta-monooxygenase. Review status: criteria provided, single submitter. Criteria: ACMG Guidelines, 2015. Collection method: clinical testing. Allele origin: germline.
Comment: Absent from controls (or at extremely low frequency if recessive) in Genome Aggregation Database.;Well-established in vitro or in vivo functional studies supportive of a damaging effect on the gene or gene product.;For recessive disorders, detected in trans with a pathogenic variant.;Patient's phenotype or family history is highly specific for a disease with a single genetic etiology.

Literature cited by the submitters: PubMed 17576681 (cited by Labcorp Genetics (formerly Invitae), Labcorp); PubMed 9536098 (cited by Labcorp Genetics (formerly Invitae), Labcorp); PubMed 19567537 (cited by Labcorp Genetics (formerly Invitae), Labcorp); PubMed 25911436 (cited by Labcorp Genetics (formerly Invitae), Labcorp); PubMed 30242600 (cited by Labcorp Genetics (formerly Invitae), Labcorp); PubMed 32850530 (cited by Labcorp Genetics (formerly Invitae), Labcorp).

NM_000497.4(CYP11B1):c.799G>A (p.Gly267Ser)

Genes: CYP11B1 (cytochrome P450 family 11 subfamily B member 1; minus strand), LOC106799833 (CYP11B1 recombination region; plus strand). Cytogenetic location: 8q24.3.
Variant type: single nucleotide variant.
Coding change: c.799G>A on transcript NM_000497.4 (MANE Select); coding-DNA position 799, G replaced by A.
Protein change: p.Gly267Ser; replaces glycine 267 with serine.
Molecular consequence: missense variant.
Genome position (GRCh38, 1-based): chr8:142,876,682, C>T on the plus strand (G>A on the coding strand, the complement: CYP11B1 is on the minus strand). VCF-style: chr8-142876682-C-T. GRCh37 (hg19) VCF-style: chr8-143958098-C-T.
Other names: c.799G>A, p.Gly267Ser (NM_001026213.1); short protein forms G267S.
Identifiers: ClinVar variation 1685685 (VCV001685685.9), dbSNP rs1421641874, ClinGen allele CA372395371.